The following is an entry in ClinVar:

ClinVar aggregate classification (germline): Likely benign (1 of 4 stars; one submission).

gnomAD v4.1: 12 of 1,613,826 alleles (0.00074%); highest among the groups gnomAD compares: African/African-American, 0.0067%; no homozygotes.

Submission:

Mayo Clinic Laboratories, Mayo Clinic
Classification: Likely benign. Last evaluated: 2025-12-14. Review status: criteria provided, single submitter. Criteria: ACMG Guidelines, 2015. Collection method: clinical testing. Allele origin: germline. Observed: 1 variant allele.
Comment: BP4, BP7

NM_001080421.3(UNC13A):c.2844C>T (p.Leu948=)

Gene: UNC13A (unc-13 homolog A; minus strand). Cytogenetic location: 19p13.11.
Variant type: single nucleotide variant.
Coding change: c.2844C>T on transcript NM_001080421.3 (MANE Select); coding-DNA position 2844, C replaced by T.
Protein change: p.Leu948=; no amino-acid change (leucine 948 retained).
Molecular consequence: synonymous variant.
Genome position (GRCh38, 1-based): chr19:17,639,852, G>A on the plus strand (C>T on the coding strand, the complement: UNC13A is on the minus strand). VCF-style: chr19-17639852-G-A. GRCh37 (hg19) VCF-style: chr19-17750661-G-A.
Other names: p.Leu948=; c.2838C>T, p.Leu946= (NM_001387021.1, NM_001387022.1, NM_001387023.1).
Identifiers: ClinVar variation 4684353 (VCV004684353.1).
Genomic context (GRCh38, chr19:17,639,852, plus strand): 5'-ACACACATGTGCGTGGGGTGAGCAAATTCTCATGCACACACTTCCTACCCGGTACATGGA[G>A]AGGTCAATCCGCAGGGAGTTATGCAGCTGGTCCAGGAGTTTCACGAAGCGCTCTTTCTGA-3'
Protein context (NP_001073890.2, residues 938-958): DQLHNSLRID[Leu948=]SMYRNNFPAS